The following is an entry in ClinVar:

ClinVar aggregate classification (germline): Uncertain significance (1 of 4 stars; one submission).

Conditions:
Long QT syndrome (LQTS). Identifiers: MedGen C0023976, MeSH D008133, MONDO:0002442. Disease mechanism: loss of function. Inheritance: Various modes of inheritance.

gnomAD v4.1: 1 of 1,613,998 alleles (0.000062%); highest among the groups gnomAD compares: African/African-American, 0.0013%; no homozygotes.

Submission:

Labcorp Genetics (formerly Invitae), Labcorp
Classification: Uncertain significance for Long QT syndrome. Last evaluated: 2025-12-09. Review status: criteria provided, single submitter. Criteria: Invitae Variant Classification Sherloc (09022015). Collection method: clinical testing. Allele origin: germline.
Comment: This sequence change replaces glutamic acid, which is acidic and polar, with lysine, which is basic and polar, at codon 11 of the AKAP9 protein (p.Glu11Lys). This variant is present in population databases (no rsID available, gnomAD 0.007%). This variant has not been reported in the literature in individuals affected with AKAP9-related conditions. An algorithm developed to predict the effect of missense changes on protein structure and function (PolyPhen-2) suggests that this variant is likely to be disruptive. In summary, the available evidence is currently insufficient to determine the role of this variant in disease. Therefore, it has been classified as a Variant of Uncertain Significance.

NM_005751.5(AKAP9):c.31G>A (p.Glu11Lys)

Genes: AKAP9 (A-kinase anchoring protein 9; plus strand), LOC129998788 (ATAC-STARR-seq lymphoblastoid active region 26256; plus strand). Cytogenetic location: 7q21.2.
Variant type: single nucleotide variant.
Coding change: c.31G>A on transcript NM_005751.5 (MANE Select); coding-DNA position 31, G replaced by A.
Protein change: p.Glu11Lys; replaces glutamic acid 11 with lysine.
Molecular consequence: missense variant.
Genome position (GRCh38, 1-based): chr7:91,941,130, G>A. VCF-style: chr7-91941130-G-A. GRCh37 (hg19) VCF-style: chr7-91570444-G-A.
Other names: c.31G>A, p.Glu11Lys (NM_147185.3); short protein forms E11K.
Identifiers: ClinVar variation 4732876 (VCV004732876.1).